The following is an entry in ClinVar:

NM_001042492.3(NF1):c.7037_7040del (p.Asp2346fs)

Gene: NF1 (neurofibromin 1; plus strand). Cytogenetic location: 17q11.2.
Variant type: Deletion.
Coding change: c.7037_7040del on transcript NM_001042492.3 (MANE Select); coding-DNA positions 7037 to 7040, 4 bases deleted (ATAG; older notation c.7037_7040delATAG).
Protein change: p.Asp2346fs; shifts the reading frame from aspartic acid 2346.
Molecular consequence: frameshift variant.
Genome position (GRCh38, 1-based): chr17:31,340,620-31,340,623, ATAG deleted; deleting any 4 consecutive bases within chr17:31,340,617-31,340,623 gives the same sequence; the c. name uses the placement nearest the transcript's 3' end. VCF-style (leftmost placement, unchanged base first): chr17-31340616-TTAGA-T. GRCh37 (hg19) VCF-style: chr17-29667634-TTAGA-T.
Other names: p.Asp2346ValfsTer49; c.6974_6977delATAG (NM_000267.3); c.6974_6977delATAG, p.Asp2325Valfs (NM_000267.4); short protein forms D2325fs, D2346fs.
Identifiers: ClinVar variation 644855 (VCV000644855.16), dbSNP rs1597848201, ClinGen allele CA658761003.

ClinVar aggregate classification (germline): Pathogenic. Review status: criteria provided, multiple submitters, no conflicts (2 of 4 stars). 5 submissions from 5 submitters: Pathogenic (5). Last evaluated 2026-06-17.

Conditions:
Neurofibromatosis, type 1 (NF1). Also called: VON RECKLINGHAUSEN DISEASE; Neurofibromatosis, type I; Peripheral type neurofibromatosis; NEUROFIBROMATOSIS, TYPE I, SOMATIC. Identifiers: Orphanet 636, MedGen C0027831, MONDO:0018975, OMIM 162200. Disease mechanism: loss of function.
Hereditary cancer-predisposing syndrome. Also called: Neoplastic Syndromes, Hereditary; Hereditary Cancer Syndrome; Hereditary neoplastic syndrome; Tumor predisposition. Identifiers: Orphanet 140162, MedGen C0027672, MeSH D009386, MONDO:0015356.
Cardiovascular phenotype. Identifiers: MedGen CN230736.

Submissions (5):

Ambry Genetics
Classification: Pathogenic for Cardiovascular phenotype; Hereditary cancer-predisposing syndrome. Last evaluated: 2026-06-17. Review status: criteria provided, single submitter. Criteria: Ambry Variant Classification Scheme 2023. Collection method: clinical testing. Allele origin: germline.
Comment: The c.6974_6977delATAG pathogenic mutation, located in coding exon 46 of the NF1 gene, results from a deletion of 4 nucleotides at nucleotide positions 6974 to 6977, causing a translational frameshift with a predicted alternate stop codon (p.D2325Vfs*49). This variant is considered to be rare based on population cohorts in the Genome Aggregation Database (gnomAD). This alteration is expected to result in loss of function by premature protein truncation or nonsense-mediated mRNA decay. As such, this alteration is interpreted as a disease-causing mutation.

GeneDx
Classification: Pathogenic. Last evaluated: 2025-10-07. Review status: criteria provided, single submitter. Criteria: GeneDx Variant Classification Process June 2021. Collection method: clinical testing. Allele origin: germline. Affected: yes.
Comment: Frameshift variant predicted to result in protein truncation or nonsense mediated decay in a gene for which loss of function is a known mechanism of disease; Not observed at significant frequency in large population cohorts (gnomAD); This variant is associated with the following publications: (PMID: 23913538, 34308104, 31370276, 36273432, 36553485, 33566141)

Labcorp Genetics (formerly Invitae), Labcorp
Classification: Pathogenic for Neurofibromatosis, type 1. Last evaluated: 2024-04-04. Review status: criteria provided, single submitter. Criteria: Invitae Variant Classification Sherloc (09022015). Collection method: clinical testing. Allele origin: germline.
Comment: This sequence change creates a premature translational stop signal (p.Asp2325Valfs*49) in the NF1 gene. It is expected to result in an absent or disrupted protein product. Loss-of-function variants in NF1 are known to be pathogenic (PMID: 10712197, 23913538). This variant is not present in population databases (gnomAD no frequency). This premature translational stop signal has been observed in individual(s) with neurofibromatosis type 1 (PMID: 23913538, 31370276). ClinVar contains an entry for this variant (Variation ID: 644855). For these reasons, this variant has been classified as Pathogenic.

Breakthrough Genomics
Classification: Pathogenic for Neurofibromatosis, type 1. Last evaluated: 2023-10-12. Review status: criteria provided, single submitter. Criteria: ACMG Guidelines, 2015. Collection method: clinical testing. Allele origin: germline. Affected: yes.
Comment: This variant is predicted to cause a frameshift and consequent premature termination of the protein (p.Asp2346ValfsTer49). The resultant protein will likely to lack C-terminal region, bipartite nuclear localization signal motif of the protein [UniProt]; this will likely result in loss-of-function. Due to the introduction of a premature stop codon, this aberrant transcript will likely be targeted by the nonsense-mediated mRNA decay (NMD) mechanism [PMID: 15040442]. Loss-of-function variants in NF1 are known to be pathogenic [PMID: 10712197, 23913538].

Genome-Nilou Lab
Classification: Pathogenic for Neurofibromatosis, type 1. Last evaluated: 2022-03-15. Review status: criteria provided, single submitter. Criteria: ACMG Guidelines, 2015. Collection method: clinical testing. Allele origin: germline. Affected: no.

Literature cited by the submitters: PubMed 10712197 (cited by Labcorp Genetics (formerly Invitae), Labcorp); PubMed 23913538 (cited by Labcorp Genetics (formerly Invitae), Labcorp); PubMed 31370276 (cited by Labcorp Genetics (formerly Invitae), Labcorp).